The following is an entry in ClinVar:

ClinVar aggregate classification (germline): Uncertain significance. Review status: criteria provided, multiple submitters, no conflicts (2 of 4 stars). 2 submissions from 2 submitters: Uncertain significance (2). Last evaluated 2025-05-27.

Conditions:
Hereditary cancer-predisposing syndrome. Also called: Hereditary neoplastic syndrome; Tumor predisposition; Neoplastic Syndromes, Hereditary; Hereditary Cancer Syndrome. Identifiers: Orphanet 140162, MedGen C0027672, MeSH D009386, MONDO:0015356.
Fanconi anemia complementation group O. Also called: RAD51C-Related Fanconi Anemia. Identifiers: Orphanet 84, MedGen C3150653, MONDO:0013248, OMIM 613390.

Submissions (2):

Labcorp Genetics (formerly Invitae), Labcorp
Classification: Uncertain significance for Fanconi anemia complementation group O. Last evaluated: 2025-05-27. Review status: criteria provided, single submitter. Criteria: Invitae Variant Classification Sherloc (09022015). Collection method: clinical testing. Allele origin: germline.
Comment: This sequence change replaces arginine, which is basic and polar, with serine, which is neutral and polar, at codon 292 of the RAD51C protein (p.Arg292Ser). This variant is not present in population databases (gnomAD no frequency). This variant has not been reported in the literature in individuals affected with RAD51C-related conditions. ClinVar contains an entry for this variant (Variation ID: 2414622). Invitae Evidence Modeling of protein sequence and biophysical properties (such as structural, functional, and spatial information, amino acid conservation, physicochemical variation, residue mobility, and thermodynamic stability) indicates that this missense variant is not expected to disrupt RAD51C protein function with a negative predictive value of 80%. In summary, the available evidence is currently insufficient to determine the role of this variant in disease. Therefore, it has been classified as a Variant of Uncertain Significance.

Color Diagnostics, LLC DBA Color Health
Classification: Uncertain significance for Hereditary cancer-predisposing syndrome. Last evaluated: 2024-08-26. Review status: criteria provided, single submitter. Criteria: ACMG Guidelines, 2015. Collection method: clinical testing. Allele origin: germline.
Comment: This missense variant replaces arginine with serine at codon 292 of the RAD51C protein. Computational prediction suggests that this variant may not impact protein structure and function (internally defined REVEL score threshold <= 0.5, PMID: 27666373). To our knowledge, functional studies have not been reported for this variant. This variant has not been reported in individuals affected with RAD51C-related disorders in the literature. This variant has not been identified in the general population by the Genome Aggregation Database (gnomAD). The available evidence is insufficient to determine the role of this variant in disease conclusively. Therefore, this variant is classified as a Variant of Uncertain Significance.

NM_058216.3(RAD51C):c.876A>C (p.Arg292Ser)

Gene: RAD51C (RAD51 paralog C; plus strand). Cytogenetic location: 17q22.
Variant type: single nucleotide variant.
Coding change: c.876A>C on transcript NM_058216.3 (MANE Select); coding-DNA position 876, A replaced by C.
Protein change: p.Arg292Ser; replaces arginine 292 with serine.
Molecular consequence: missense variant. On other transcripts: non-coding transcript variant (1).
Genome position (GRCh38, 1-based): chr17:58,720,784, A>C. VCF-style: chr17-58720784-A-C. GRCh37 (hg19) VCF-style: chr17-56798145-A-C.
Other names: c.*304A>C (NM_058217.1); short protein forms R292S.
Identifiers: ClinVar variation 2414622 (VCV002414622.7), dbSNP rs2509337166, ClinGen allele CA400359626.
Genomic context (GRCh38, chr17:58,720,784, plus strand): 5'-TTCTTACATTTTGTTTTTGTAGGTAATTTTAACCAATCAGATGACAACAAAGATTGATAG[A>C]AATCAGGCCTTGCTTGTTCCTGCATTAGGTGGGTAATTAATCAGATAAACATTTTAGTTT-3'
Protein context (NP_478123.1, residues 282-302): LTNQMTTKID[Arg292Ser]NQALLVPALG